The following is an entry in ClinVar:

NM_000540.3(RYR1):c.1655G>A (p.Arg552Gln)

Gene: RYR1 (ryanodine receptor 1; plus strand). Cytogenetic location: 19q13.2.
Variant type: single nucleotide variant.
Coding change: c.1655G>A on transcript NM_000540.3 (MANE Select); coding-DNA position 1655, G replaced by A.
Protein change: p.Arg552Gln; replaces arginine 552 with glutamine.
Molecular consequence: missense variant.
Genome position (GRCh38, 1-based): chr19:38,455,529, G>A. VCF-style: chr19-38455529-G-A. GRCh37 (hg19) VCF-style: chr19-38946169-G-A.
Other names: c.1655G>A, p.Arg552Gln (NM_001042723.2); short protein forms R552Q.
Identifiers: ClinVar variation 872071 (VCV000872071.56), dbSNP rs772978260, ClinGen allele CA062238.
Genomic context (GRCh38, chr19:38,455,529, plus strand): 5'-ATCGTAGCAACTGTGCCCTCTTCTCCACAAACTTGGACTGGCTGGTCAGCAAGCTGGATC[G>A]GCTGGAGGCCTCGTCTGGTAGGAGAACCCGGGGGAGTGGGACAGAGGCTTGTGGGAGGGG-3'
Protein context (NP_000531.2, residues 542-562): NLDWLVSKLD[Arg552Gln]LEASSGILEV

ClinVar aggregate classification (germline): Conflicting classifications of pathogenicity. Review status: criteria provided, conflicting classifications (1 of 4 stars). 13 submissions from 13 submitters: Pathogenic (1); Likely pathogenic (9); Uncertain significance (2). 1 of the submissions does not count toward it. Last evaluated 2025-12-02.

Conditions:
RYR1-related disorder. Also called: RYR1-related condition; RYR1-related disorders. Identifiers: MedGen CN239331.
Malignant hyperthermia of anesthesia. Also called: Anesthesic-triggered malignant hyperthermia. Identifiers: Orphanet 423, MedGen C0024591, MONDO:0018493, HP:0034733.
Malignant hyperthermia, susceptibility to, 1 (MHS1). Also called: Malignant hyperthermia suceptibility 1; RYR1-Related Malignant Hyperthermia Susceptibility; Anesthesia related hyperthermia; Malignant hyperpyrexia; Fulminating hyperpyrexia; Pharmacogenic myopathy. Identifiers: Orphanet 423, MedGen C2930980, MONDO:0007783, OMIM 145600.
Central core myopathy (CMYO1A). Also called: CONGENITAL MYOPATHY 1A, AUTOSOMAL DOMINANT, WITH SUSCEPTIBILITY TO MALIGNANT HYPERTHERMIA; Central core disease; Myopathy, central fibrillar. Identifiers: Orphanet 597, MedGen C5830701, MONDO:0007294, OMIM 117000.

Allele frequency attached by ClinVar (database versions not stated): gnomAD 0.00001 and 0.00003; TOPMed 0.00002; gnomAD exomes 0.00003; ExAC 0.00004.
gnomAD v4.1: 42 of 1,613,974 alleles (0.0026%); highest among the groups gnomAD compares: Middle Eastern, 0.016%; 1 homozygote.

Submissions 1 to 7 of 13:

Women's Health and Genetics/Laboratory Corporation of America, LabCorp
Classification: Likely pathogenic for Malignant hyperthermia, susceptibility to, 1. Last evaluated: 2025-12-02. Review status: criteria provided, single submitter. Criteria: LabCorp Variant Classification Summary - May 2015. Collection method: clinical testing. Allele origin: germline.
Comment: Variant summary: RYR1 c.1655G>A (p.Arg552Gln) results in a conservative amino acid change in the encoded protein sequence. Algorithms developed to predict the effect of missense changes on protein structure and function are either unavailable or do not agree on the potential impact of this missense change. The variant allele was found at a frequency of 3.2e-05 in 251470 control chromosomes. c.1655G>A has been observed in the presumed heterozygous state in multiple individual(s) affected with autosomal dominant Malignant hyperthermia and/or clinical features of King Denborough syndrome and Central Core Disease (example, Bachmann_2022, Klinger_2014, Schabhuttl_2014), including at least 1 family where it segregated with disease. These data indicate that the variant is likely to be associated with disease. To our knowledge, no experimental evidence demonstrating an impact on protein function has been reported. The following publications have been ascertained in the context of this evaluation (PMID: 36196089, 24433488, 27245685, 24627108). ClinVar contains an entry for this variant (Variation ID: 872071). To our knowledge, this variant has not been reported in individuals with autosomal recessive Congenital multicore myopathy with external ophthalmoplegia. Based on the evidence outlined above, the variant was classified as likely pathogenic for autosomal dominant malignant hyperthermia and/or King Denborough syndrome and Central Core Disease.

Labcorp Genetics (formerly Invitae), Labcorp
Classification: Likely pathogenic for RYR1-related disorder. Last evaluated: 2025-10-23. Review status: criteria provided, single submitter. Criteria: Invitae Variant Classification Sherloc (09022015). Collection method: clinical testing. Allele origin: germline.
Comment: This sequence change replaces arginine, which is basic and polar, with glutamine, which is neutral and polar, at codon 552 of the RYR1 protein (p.Arg552Gln). This variant is present in population databases (rs772978260, gnomAD 0.006%). This missense change has been observed in individual(s) with autosomal dominant malignant hyperthermia and/or peripheral neuropathy (PMID: 24433488, 24627108). ClinVar contains an entry for this variant (Variation ID: 872071). Invitae Evidence Modeling of protein sequence and biophysical properties (such as structural, functional, and spatial information, amino acid conservation, physicochemical variation, residue mobility, and thermodynamic stability) indicates that this missense variant is expected to disrupt RYR1 protein function with a positive predictive value of 95%. This variant disrupts the p.Arg552 amino acid residue in RYR1. Other variant(s) that disrupt this residue have been determined to be pathogenic (PMID: 9138151, 9334205, 9873004, 30236257). This suggests that this residue is clinically significant, and that variants that disrupt this residue are likely to be disease-causing. In summary, the currently available evidence indicates that the variant is pathogenic, but additional data are needed to prove that conclusively. Therefore, this variant has been classified as Likely Pathogenic.

Clinical Genetics Laboratory, University Hospital Schleswig-Holstein
Classification: Likely pathogenic for Malignant hyperthermia, susceptibility to, 1. Last evaluated: 2025-06-18. Review status: criteria provided, single submitter. Criteria: ACMG Guidelines, 2015. Collection method: clinical testing. Allele origin: germline. Affected: yes. Observed: 1 heterozygote.
Comment: ACMG criteria applied: PS4, PP3, PM5_Supporting, PM1_Supporting

Color Diagnostics, LLC DBA Color Health
Classification: Likely pathogenic for Malignant hyperthermia, susceptibility to, 1. Last evaluated: 2025-05-27. Review status: criteria provided, single submitter. Criteria: ACMG Guidelines, 2015. Collection method: clinical testing. Allele origin: germline.
Comment: This missense variant replaces arginine with glutamine at codon 552 of the RYR1 protein. Computational prediction suggests that this variant may have deleterious impact on protein structure and function. Although functional studies have not been reported for this variant, it occurs in a region of RYR1 considered to be a hotspot for pathogenic variants that contribute to malignant hyperthermia susceptibility (PMID: 21118704). This variant has been reported in an individual affected with malignant hyperthermia susceptibility with a personal history of a malignant hyperthermia event (PMID: 24433488). This variant has been identified in 8/251470 chromosomes in the general population by the Genome Aggregation Database (gnomAD). A different variant affecting the same codon, c.1654C>T (p.Arg552Trp), is known to be disease-causing (ClinVar Variation ID: 133106), indicating that arginine at this position is important for RYR1 protein function. Based on the available evidence, this variant is classified as Likely Pathogenic.

Laboratory of Genetics, Children's Clinical University Hospital Latvia
Classification: Likely pathogenic. Last evaluated: 2025-02-16. Review status: criteria provided, single submitter. Criteria: ACMG Guidelines, 2015. Collection method: clinical testing. Allele origin: germline. Affected: yes.

PreventionGenetics, part of Exact Sciences
Classification: Likely pathogenic for RYR1-related condition. Last evaluated: 2024-10-24. Review status: criteria provided, single submitter. Criteria: ACMG Guidelines, 2015. Collection method: clinical testing. Allele origin: germline.
Comment: The RYR1 c.1655G>A variant is predicted to result in the amino acid substitution p.Arg552Gln. This variant was reported in an individual with peripheral neuropathy (but was classified as potentially disease causing) (Schabhüttl et al 2014. PubMed ID: 24627108) and in one individual with susceptibility to malignant hyperthermia (MH) (Klingler et al. 2014. PubMed ID: 24433488). This variant is reported in 0.0062% of alleles in individuals of European (non-Finnish) descent in gnomAD. An alternate nucleotide change affecting the same amino acid (p.Arg552Trp) has been reported in multiple families with susceptibility to malignant hyperthermia and is classified by a ClinGen Expert Panel as likely pathogenic (Supplemental Table 1, Miller et al. 2018. PubMed ID: 30236257) suggesting the p.Arg552 residue is relevant to MH susceptibility. Therefore, the p.Arg552Gln variant is interpreted as likely pathogenic for susceptibility to malignant hyperthermia.

Illumina Laboratory Services, Illumina
Classification: Likely pathogenic for Malignant hyperthermia, susceptibility to, 1. Last evaluated: 2024-03-13. Review status: criteria provided, single submitter. Criteria: ICSLVariantClassificationCriteria RUGD 01 April 2020. Collection method: clinical testing. Allele origin: unknown.
Comment: The RYR1 c.1655G>A p.(Arg552Gln) missense variant has been identified in individuals with malignant hyperthermia (MH) (PMID: 24433488). This variant is not observed at a significant frequency in version 2.1.1 or version 4.0.0 of the Genome Aggregation Database. The p.(Arg552Gln) variant is located in a known hotspot (PMID: 21118704) and multiple lines of computational evidence suggest the variant may impact the gene or gene product. Additionally, a different amino acid substitution at the same codon p.(Arg552Trp) has been reported in individuals with MH. Based on the available evidence, the c.1655G>A p.(Arg552Gln) variant is classified as likely pathogenic for malignant hyperthermia susceptibility.